The following is an entry in ClinVar:

ClinVar aggregate classification (germline): Uncertain significance (1 of 4 stars; one submission).

gnomAD v4.1: 1 of 1,613,952 alleles (0.000062%); highest among the groups gnomAD compares: Non-Finnish European, 0.000085%; no homozygotes.

Submission:

Labcorp Genetics (formerly Invitae), Labcorp
Classification: Uncertain significance. Last evaluated: 2022-06-05. Review status: criteria provided, single submitter. Criteria: Invitae Variant Classification Sherloc (09022015). Collection method: clinical testing. Allele origin: germline.
Comment: This sequence change replaces proline, which is neutral and non-polar, with arginine, which is basic and polar, at codon 458 of the EFEMP1 protein (p.Pro458Arg). This variant is not present in population databases (gnomAD no frequency). This variant has not been reported in the literature in individuals affected with EFEMP1-related conditions. Algorithms developed to predict the effect of missense changes on protein structure and function are either unavailable or do not agree on the potential impact of this missense change (SIFT: "Deleterious"; PolyPhen-2: "Probably Damaging"; Align-GVGD: "Class C0"). In summary, the available evidence is currently insufficient to determine the role of this variant in disease. Therefore, it has been classified as a Variant of Uncertain Significance.

NM_001039348.3(EFEMP1):c.1373C>G (p.Pro458Arg)

Gene: EFEMP1 (EGF-like fibulin extracellular matrix protein 1; minus strand). Cytogenetic location: 2p16.1.
Variant type: single nucleotide variant.
Coding change: c.1373C>G on transcript NM_001039348.3 (MANE Select); coding-DNA position 1373, C replaced by G.
Protein change: p.Pro458Arg; replaces proline 458 with arginine.
Molecular consequence: missense variant.
Genome position (GRCh38, 1-based): chr2:55,867,182, G>C on the plus strand (C>G on the coding strand, the complement: EFEMP1 is on the minus strand). VCF-style: chr2-55867182-G-C. GRCh37 (hg19) VCF-style: chr2-56094317-G-C.
Other names: c.1373C>G, p.Pro458Arg (NM_001039349.3); short protein forms P458R.
Identifiers: ClinVar variation 2002476 (VCV002002476.4), dbSNP rs1386374723, ClinGen allele CA347027505.